The following is an entry in ClinVar:

ClinVar aggregate classification (germline): Likely benign. Review status: criteria provided, multiple submitters, no conflicts (2 of 4 stars). 2 submissions from 2 submitters: Likely benign (2). Last evaluated 2026-06-04.

Conditions:
XDH-related disorder. Also called: XDH-related condition.
Xanthinuria type II. Also called: Xanthine dehydrogenase and aldehyde oxidase combined deficiency of; XDH and AOX dual deficiency. Identifiers: Orphanet 3467, Orphanet 93602, MedGen C1863688, MONDO:0011346, OMIM 603592.

Allele frequency attached by ClinVar (database versions not stated): TOPMed 0.00001; gnomAD exomes 0.00002; gnomAD 0.00003; 1000 Genomes Project 30x 0.00016; ExAC 0.00018; 1000 Genomes Project 0.00020.
gnomAD v4.1: 38 of 1,573,812 alleles (0.0024%); highest among the groups gnomAD compares: South Asian, 0.036%; no homozygotes.

Submissions (2):

PreventionGenetics, part of Exact Sciences
Classification: Likely benign for XDH-related condition. Last evaluated: 2026-06-04. Review status: criteria provided, single submitter. Criteria: ACMG Guidelines, 2015. Collection method: clinical testing. Allele origin: germline.
Comment: This variant is classified as likely benign based on ACMG/AMP sequence variant interpretation guidelines (Richards et al. 2015 PMID: 25741868, with internal and published modifications).

Labcorp Genetics (formerly Invitae), Labcorp
Classification: Likely benign for Xanthinuria type II. Last evaluated: 2025-04-11. Review status: criteria provided, single submitter. Criteria: Invitae Variant Classification Sherloc (09022015). Collection method: clinical testing. Allele origin: germline.

NM_000379.4(XDH):c.3576T>C (p.Asp1192=)

Gene: XDH (xanthine dehydrogenase; minus strand). Cytogenetic location: 2p23.1.
Variant type: single nucleotide variant.
Coding change: c.3576T>C on transcript NM_000379.4 (MANE Select); coding-DNA position 3576, T replaced by C.
Protein change: p.Asp1192=; no amino-acid change (aspartic acid 1192 retained).
Molecular consequence: synonymous variant.
Genome position (GRCh38, 1-based): chr2:31,341,338, A>G on the plus strand (T>C on the coding strand, the complement: XDH is on the minus strand). VCF-style: chr2-31341338-A-G. GRCh37 (hg19) VCF-style: chr2-31564204-A-G.
Other names: c.3576T>C (NM_000379.3).
Identifiers: ClinVar variation 2911539 (VCV002911539.4), dbSNP rs542321750, ClinGen allele CA1598349.